The following is an entry in ClinVar:

ClinVar aggregate classification (germline): Uncertain significance (1 of 4 stars; one submission).

Conditions:
46,XY sex reversal 9 (SRXY9). Also called: 46,XY SEX REVERSAL, ZFPM2-RELATED. Identifiers: Orphanet 251510, MedGen C4015129, MONDO:0014480, OMIM 616067.

Allele frequency attached by ClinVar (database versions not stated): gnomAD 0.00001.
gnomAD v4.1: 1 of 1,613,588 alleles (0.000062%); highest among the groups gnomAD compares: Non-Finnish European, 0.000085%; no homozygotes.

Submission:

Labcorp Genetics (formerly Invitae), Labcorp
Classification: Uncertain significance for 46,XY sex reversal 9. Last evaluated: 2022-03-17. Review status: criteria provided, single submitter. Criteria: Invitae Variant Classification Sherloc (09022015). Collection method: clinical testing. Allele origin: germline.
Comment: This variant has not been reported in the literature in individuals affected with ZFPM2-related conditions. Algorithms developed to predict the effect of missense changes on protein structure and function are either unavailable or do not agree on the potential impact of this missense change (SIFT: "Deleterious"; PolyPhen-2: "Probably Damaging"; Align-GVGD: "Class C15"). In summary, the available evidence is currently insufficient to determine the role of this variant in disease. Therefore, it has been classified as a Variant of Uncertain Significance. This variant is present in population databases (no rsID available, gnomAD 0.0009%). This sequence change replaces serine, which is neutral and polar, with phenylalanine, which is neutral and non-polar, at codon 254 of the ZFPM2 protein (p.Ser254Phe).

NM_012082.4(ZFPM2):c.761C>T (p.Ser254Phe)

Genes: ZFPM2 (zinc finger protein, FOG family member 2; plus strand), ZFPM2-AS1 (ZFPM2 antisense RNA 1; minus strand). Cytogenetic location: 8q23.1.
Variant type: single nucleotide variant.
Coding change: c.761C>T on transcript NM_012082.4 (MANE Select); coding-DNA position 761, C replaced by T.
Protein change: p.Ser254Phe; replaces serine 254 with phenylalanine.
Molecular consequence: missense variant.
Genome position (GRCh38, 1-based): chr8:105,798,745, C>T. VCF-style: chr8-105798745-C-T. GRCh37 (hg19) VCF-style: chr8-106810973-C-T.
Other names: c.602C>T, p.Ser201Phe (NM_001362836.2); c.365C>T, p.Ser122Phe (NM_001362837.2); short protein forms S122F, S254F, S201F.
Identifiers: ClinVar variation 2069915 (VCV002069915.4), dbSNP rs1477755260, ClinGen allele CA371944057.